The following is an entry in ClinVar:

ClinVar aggregate classification (germline): Pathogenic (1 of 4 stars; one submission).

Conditions:
Cone-rod dystrophy 13 (CORD13). Identifiers: Orphanet 1872, MedGen C2750720, MONDO:0011987, OMIM 608194.
Leber congenital amaurosis 6 (LCA6). Identifiers: Orphanet 65, MedGen C1854260, MONDO:0013446, OMIM 613826.

Submission:

Labcorp Genetics (formerly Invitae), Labcorp
Classification: Pathogenic for Leber congenital amaurosis 6; Cone-rod dystrophy 13. Last evaluated: 2019-09-11. Review status: criteria provided, single submitter. Criteria: Invitae Variant Classification Sherloc (09022015). Collection method: clinical testing. Allele origin: germline.
Comment: This sequence change creates a premature translational stop signal (p.Arg1163Lysfs*4) in the RPGRIP1 gene. It is expected to result in an absent or disrupted protein product. This variant is not present in population databases (ExAC no frequency). This variant has not been reported in the literature in individuals with RPGRIP1-related conditions. Loss-of-function variants in RPGRIP1 are known to be pathogenic (PMID: 11528500, 23105016). For these reasons, this variant has been classified as Pathogenic.

Literature cited by the submitters: PubMed 11528500; PubMed 23105016.

NM_020366.4(RPGRIP1):c.3487dup (p.Arg1163fs)

Gene: RPGRIP1 (RPGR interacting protein 1; plus strand). Cytogenetic location: 14q11.2.
Variant type: Duplication.
Coding change: c.3487dup on transcript NM_020366.4 (MANE Select); coding-DNA position 3487, one base duplicated (A; older notation c.3487dupA).
Protein change: p.Arg1163fs; shifts the reading frame from arginine 1163.
Molecular consequence: frameshift variant.
Genome position (GRCh38, 1-based): chr14:21,343,183, A duplicated; the last of 2 consecutive A bases (chr14:21,343,182-21,343,183); duplicating either gives the same sequence. VCF-style (leftmost placement, unchanged base first): chr14-21343181-T-TA. GRCh37 (hg19) VCF-style: chr14-21811340-T-TA.
Other names: c.1465dup, p.Arg489fs (NM_001377523.1, NM_001377950.1); c.2413dup, p.Arg805fs (NM_001377948.1); c.1573dup, p.Arg525fs (NM_001377949.1); c.970dup, p.Arg324fs (NM_001377951.1); short protein forms R1163fs, R489fs, R525fs, R805fs, R324fs.
Identifiers: ClinVar variation 964527 (VCV000964527.7), dbSNP rs1885194108, ClinGen allele CA1139663402.